The following is an entry in ClinVar:

NM_199420.4(POLQ):c.5204T>G (p.Ile1735Ser)

Gene: POLQ (DNA polymerase theta; minus strand). Cytogenetic location: 3q13.33.
Variant type: single nucleotide variant.
Coding change: c.5204T>G on transcript NM_199420.4 (MANE Select); coding-DNA position 5204, T replaced by G.
Protein change: p.Ile1735Ser; replaces isoleucine 1735 with serine.
Molecular consequence: missense variant.
Genome position (GRCh38, 1-based): chr3:121,487,727, A>C on the plus strand (T>G on the coding strand, the complement: POLQ is on the minus strand). VCF-style: chr3-121487727-A-C. GRCh37 (hg19) VCF-style: chr3-121206574-A-C.
Other names: short protein forms I1735S.
Identifiers: ClinVar variation 3230045 (VCV003230045.1), dbSNP rs781532204, ClinGen allele CA2562767.

ClinVar aggregate classification (germline): Uncertain significance (1 of 4 stars; one submission).

Allele frequency attached by ClinVar (database versions not stated): ExAC 0.00001; TOPMed 0.00001; gnomAD 0.00002.
gnomAD v4.1: 5 of 1,613,686 alleles (0.00031%); highest among the groups gnomAD compares: East Asian, 0.011%; no homozygotes.

Submission:

Ambry Genetics
Classification: Uncertain significance. Last evaluated: 2023-10-01. Review status: criteria provided, single submitter. Criteria: Ambry Variant Classification Scheme 2023. Collection method: clinical testing. Allele origin: germline.
Comment: The p.I1735S variant (also known as c.5204T>G), located in coding exon 16 of the POLQ gene, results from a T to G substitution at nucleotide position 5204. The isoleucine at codon 1735 is replaced by serine, an amino acid with dissimilar properties. This amino acid position is conserved. In addition, the in silico prediction for this alteration is inconclusive. Since supporting evidence is limited at this time, the clinical significance of this alteration remains unclear.